The following is an entry in ClinVar:

NM_178822.5(IGSF10):c.7152A>G (p.Gln2384=)

Gene: IGSF10 (immunoglobulin superfamily member 10; minus strand). Cytogenetic location: 3q25.1.
Variant type: single nucleotide variant.
Coding change: c.7152A>G on transcript NM_178822.5 (MANE Select); coding-DNA position 7152, A replaced by G.
Protein change: p.Gln2384=; no amino-acid change (glutamine 2384 retained).
Molecular consequence: synonymous variant.
Genome position (GRCh38, 1-based): chr3:151,437,409, T>C on the plus strand (A>G on the coding strand, the complement: IGSF10 is on the minus strand). VCF-style: chr3-151437409-T-C. GRCh37 (hg19) VCF-style: chr3-151155197-T-C.
Other names: c.1089A>G, p.Gln363= (NM_001178145.3, NM_001178146.3); c.7152A>G, p.Gln2384= (NM_001385060.1, NM_001385061.1, NM_001385062.1 and 1 more transcripts).
Identifiers: ClinVar variation 767939 (VCV000767939.11), dbSNP rs141741834, ClinGen allele CA2669356.

ClinVar aggregate classification (germline): Benign. Review status: criteria provided, multiple submitters, no conflicts (2 of 4 stars). 3 submissions from 3 submitters: Benign (2). 1 of the submissions does not count toward it. Last evaluated 2025-06-13.

Conditions:
IGSF10-related disorder. Also called: IGSF10-related condition.

Allele frequency attached by ClinVar (database versions not stated): gnomAD exomes 0.00037 and 0.00122; TOPMed 0.00479; 1000 Genomes Project 30x 0.00874; gnomAD 0.00431 and 0.00449; ExAC 0.00157; ESP Exome Variant Server 0.00646; 1000 Genomes Project 0.00879.
gnomAD v4.1: 1,227 of 1,614,166 alleles (0.076%); highest among the groups gnomAD compares: African/African-American, 1.5%; 11 homozygotes.

Submissions (3):

Labcorp Genetics (formerly Invitae), Labcorp
Classification: Benign. Last evaluated: 2025-06-13. Review status: criteria provided, single submitter. Criteria: Invitae Variant Classification Sherloc (09022015). Collection method: clinical testing. Allele origin: germline.

Breakthrough Genomics
Classification: Benign. Review status: criteria provided, single submitter. Criteria: ACMG Guidelines, 2015. Collection method: not provided. Allele origin: germline. Inheritance: Unknown mechanism. Affected: yes.

PreventionGenetics, part of Exact Sciences
Classification: Benign for IGSF10-related condition. Last evaluated: 2019-04-26. Review status: no assertion criteria provided. Collection method: clinical testing. Allele origin: germline. Not counted in ClinVar's aggregate classification.
Comment: This variant is classified as benign based on ACMG/AMP sequence variant interpretation guidelines (Richards et al. 2015 PMID: 25741868, with internal and published modifications).